The following is an entry in ClinVar:

NM_000135.4(FANCA):c.2716G>A (p.Ala906Thr)

Gene: FANCA (FA complementation group A; minus strand). Cytogenetic location: 16q24.3.
Variant type: single nucleotide variant.
Coding change: c.2716G>A on transcript NM_000135.4 (MANE Select); coding-DNA position 2716, G replaced by A.
Protein change: p.Ala906Thr; replaces alanine 906 with threonine.
Molecular consequence: missense variant.
Genome position (GRCh38, 1-based): chr16:89,764,952, C>T on the plus strand (G>A on the coding strand, the complement: FANCA is on the minus strand). VCF-style: chr16-89764952-C-T. GRCh37 (hg19) VCF-style: chr16-89831360-C-T.
Other names: c.2716G>A, p.Ala906Thr (NM_001286167.3); short protein forms A906T.
Identifiers: ClinVar variation 933993 (VCV000933993.11), dbSNP rs763769211, ClinGen allele CA8251587.

ClinVar aggregate classification (germline): Uncertain significance. Review status: criteria provided, single submitter (1 of 4 stars). 2 submissions from 2 submitters: Uncertain significance (1). 1 of the submissions does not count toward it. Last evaluated 2025-10-05.

Conditions:
Fanconi anemia (FA). Also called: Fanconi's anemia. Identifiers: Orphanet 84, MedGen C0015625, MeSH D005199, MONDO:0019391.

Allele frequency attached by ClinVar (database versions not stated): gnomAD exomes below 0.00001 and 0.00001; ExAC 0.00001.
gnomAD v4.1: 2 of 1,614,234 alleles (0.00012%); highest among the groups gnomAD compares: East Asian, 0.0045%; no homozygotes.

Submissions (2):

Labcorp Genetics (formerly Invitae), Labcorp
Classification: Uncertain significance for Fanconi anemia. Last evaluated: 2025-10-05. Review status: criteria provided, single submitter. Criteria: Invitae Variant Classification Sherloc (09022015). Collection method: clinical testing. Allele origin: germline.
Comment: This sequence change replaces alanine, which is neutral and non-polar, with threonine, which is neutral and polar, at codon 906 of the FANCA protein (p.Ala906Thr). This variant is present in population databases (rs763769211, gnomAD 0.01%). This variant has not been reported in the literature in individuals affected with FANCA-related conditions. ClinVar contains an entry for this variant (Variation ID: 933993). Invitae Evidence Modeling of protein sequence and biophysical properties (such as structural, functional, and spatial information, amino acid conservation, physicochemical variation, residue mobility, and thermodynamic stability) indicates that this missense variant is not expected to disrupt FANCA protein function with a negative predictive value of 95%. In summary, the available evidence is currently insufficient to determine the role of this variant in disease. Therefore, it has been classified as a Variant of Uncertain Significance.

Natera, Inc.
Classification: Uncertain significance for Fanconi anemia. Last evaluated: 2021-01-20. Review status: no assertion criteria provided. Collection method: clinical testing. Allele origin: germline. Not counted in ClinVar's aggregate classification.